The following is an entry in ClinVar:

ClinVar aggregate classification (germline): Conflicting classifications of pathogenicity. Review status: criteria provided, conflicting classifications (1 of 4 stars). 3 submissions from 3 submitters: Uncertain significance (2); Likely benign (1). Last evaluated 2025-07-15.

Conditions:
Inborn genetic diseases. Identifiers: MedGen C0950123, MeSH D030342.

Allele frequency attached by ClinVar (database versions not stated): gnomAD 0.00004; gnomAD exomes 0.00001; TOPMed 0.00003.
gnomAD v4.1: 17 of 1,614,076 alleles (0.0011%); highest among the groups gnomAD compares: African/African-American, 0.02%; no homozygotes.

Submissions (3):

Ambry Genetics
Classification: Likely benign for Inborn genetic diseases. Last evaluated: 2025-07-15. Review status: criteria provided, single submitter. Criteria: Ambry Variant Classification Scheme 2023. Collection method: clinical testing. Allele origin: germline.

Labcorp Genetics (formerly Invitae), Labcorp
Classification: Uncertain significance. Last evaluated: 2025-05-06. Review status: criteria provided, single submitter. Criteria: Invitae Variant Classification Sherloc (09022015). Collection method: clinical testing. Allele origin: germline.
Comment: This sequence change replaces threonine, which is neutral and polar, with alanine, which is neutral and non-polar, at codon 3319 of the KMT2A protein (p.Thr3319Ala). This variant is present in population databases (no rsID available, gnomAD 0.02%). This variant has not been reported in the literature in individuals affected with KMT2A-related conditions. ClinVar contains an entry for this variant (Variation ID: 1909735). Invitae Evidence Modeling of protein sequence and biophysical properties (such as structural, functional, and spatial information, amino acid conservation, physicochemical variation, residue mobility, and thermodynamic stability) indicates that this missense variant is not expected to disrupt KMT2A protein function with a negative predictive value of 95%. In summary, the available evidence is currently insufficient to determine the role of this variant in disease. Therefore, it has been classified as a Variant of Uncertain Significance.

Dasa
Classification: Uncertain significance. Last evaluated: 2025-04-25. Review status: criteria provided, single submitter. Criteria: DASA Assertion Criteria. Collection method: clinical testing. Allele origin: germline.
Comment: NM_001197104.2(KMT2A):c.9955A>G (p.Thr3319Ala) is a missense variant that results in the substitution of threonine with alanine. This variant is rare in population databases. Computational prediction algorithms are consistent with a benign effect. The currently available literature and clinical evidence are not sufficient to establish a definitive association between this variant and the reported condition. Therefore, this variant is classified as a variant of uncertain significance.

NM_001197104.2(KMT2A):c.9955A>G (p.Thr3319Ala)

Gene: KMT2A (lysine methyltransferase 2A; plus strand). Cytogenetic location: 11q23.3.
Variant type: single nucleotide variant.
Coding change: c.9955A>G on transcript NM_001197104.2 (MANE Select); coding-DNA position 9955, A replaced by G.
Protein change: p.Thr3319Ala; replaces threonine 3319 with alanine.
Molecular consequence: missense variant.
Genome position (GRCh38, 1-based): chr11:118,505,847, A>G. VCF-style: chr11-118505847-A-G. GRCh37 (hg19) VCF-style: chr11-118376562-A-G.
Other names: c.10045A>G, p.Thr3349Ala (NM_001412597.1); c.9946A>G, p.Thr3316Ala (NM_005933.4); short protein forms T3316A, T3319A, T3349A.
Identifiers: ClinVar variation 1909735 (VCV001909735.8), dbSNP rs1317712293, ClinGen allele CA382822341.